The following is an entry in ClinVar:

ClinVar aggregate classification (germline): Pathogenic/Likely pathogenic. Review status: criteria provided, multiple submitters, no conflicts (2 of 4 stars). 2 submissions from 2 submitters: Pathogenic (1); Likely pathogenic (1). Last evaluated 2026-01-26.

Conditions:
Hereditary cancer-predisposing syndrome. Also called: Tumor predisposition; Neoplastic Syndromes, Hereditary; Hereditary Cancer Syndrome; Hereditary neoplastic syndrome. Identifiers: Orphanet 140162, MedGen C0027672, MeSH D009386, MONDO:0015356.

Submissions (2):

Labcorp Genetics (formerly Invitae), Labcorp
Classification: Pathogenic. Last evaluated: 2026-01-26. Review status: criteria provided, single submitter. Criteria: Invitae Variant Classification Sherloc (09022015). Collection method: clinical testing. Allele origin: germline.
Comment: This sequence change affects an acceptor splice site in intron 3 of the FH gene. RNA analysis indicates that disruption of this splice site induces altered splicing and may result in an absent or altered protein product. This variant is not present in population databases (gnomAD no frequency). Disruption of this splice site has been observed in individual(s) with FH-related conditions (internal data). It has also been observed to segregate with disease in related individuals. ClinVar contains an entry for this variant (Variation ID: 3515112). Studies have shown that disruption of this splice site results in skipping of exon 4, and produces a non-functional protein and/or introduces a premature termination codon (internal data). For these reasons, this variant has been classified as Pathogenic.

Ambry Genetics
Classification: Likely pathogenic for Hereditary cancer-predisposing syndrome. Last evaluated: 2024-11-05. Review status: criteria provided, single submitter. Criteria: Ambry Variant Classification Scheme 2023. Collection method: clinical testing. Allele origin: germline.
Comment: The c.379-2A>T intronic variant results from an A to T substitution two nucleotides upstream from coding exon 4 in the FH gene. This variant has been observed in at least one individual with a personal and/or family history that is consistent with hereditary leiomyomatosis and renal cell carcinoma syndrome (Ambry internal data). In silico splice site analysis predicts that this alteration will weaken the native splice acceptor site and will result in the creation or strengthening of a novel splice acceptor site. RNA studies have demonstrated that this alteration results in abnormal splicing in the set of samples tested (Ambry internal data). Another alteration impacting the same acceptor site (c.379-2A>G) has been observed in affected individuals (Ambry internal data; Gardie B, et al. J. Med. Genet. 2011 Apr; 48(4):226-34). This variant is considered to be rare based on population cohorts in the Genome Aggregation Database (gnomAD). Based on the majority of available evidence to date, this variant is likely to be pathogenic.

NM_000143.4(FH):c.379-2A>T

Gene: FH (fumarate hydratase; minus strand). Cytogenetic location: 1q43.
Variant type: single nucleotide variant.
Coding change: c.379-2A>T on transcript NM_000143.4 (MANE Select); the canonical splice acceptor site of the intron before coding-DNA position 379, A replaced by T.
Molecular consequence: splice acceptor variant.
Genome position (GRCh38, 1-based): chr1:241,512,145, T>A on the plus strand (A>T on the coding strand, the complement: FH is on the minus strand). VCF-style: chr1-241512145-T-A. GRCh37 (hg19) VCF-style: chr1-241675445-T-A.
Identifiers: ClinVar variation 3515112 (VCV003515112.3).